The following is an entry in ClinVar:

NM_006267.5(RANBP2):c.1818G>C (p.Trp606Cys)

Gene: RANBP2 (RAN binding protein 2; plus strand). Cytogenetic location: 2q13.
Variant type: single nucleotide variant.
Coding change: c.1818G>C on transcript NM_006267.5 (MANE Select); coding-DNA position 1818, G replaced by C.
Protein change: p.Trp606Cys; replaces tryptophan 606 with cysteine.
Molecular consequence: missense variant.
Genome position (GRCh38, 1-based): chr2:108,753,060, G>C. VCF-style: chr2-108753060-G-C. GRCh37 (hg19) VCF-style: chr2-109369516-G-C.
Other names: short protein forms W606C.
Identifiers: ClinVar variation 1443391 (VCV001443391.7), dbSNP rs2149230211, ClinGen allele CA348051485.

ClinVar aggregate classification (germline): Uncertain significance (1 of 4 stars; one submission).

Conditions:
Familial acute necrotizing encephalopathy (IIAE3). Also called: ENCEPHALOPATHY, ACUTE, INFECTION-INDUCED, SUSCEPTIBILITY TO, 3; Susceptibility to Acute Necrotizing Encephalopathy 1. Identifiers: Orphanet 88619, MedGen C2675556, MONDO:0011953, OMIM 608033.

Submission:

Labcorp Genetics (formerly Invitae), Labcorp
Classification: Uncertain significance for Familial acute necrotizing encephalopathy. Last evaluated: 2021-11-09. Review status: criteria provided, single submitter. Criteria: Invitae Variant Classification Sherloc (09022015). Collection method: clinical testing. Allele origin: germline.
Comment: Algorithms developed to predict the effect of missense changes on protein structure and function are either unavailable or do not agree on the potential impact of this missense change (SIFT: "Deleterious"; PolyPhen-2: "Benign"; Align-GVGD: "Class C65"). This variant has not been reported in the literature in individuals affected with RANBP2-related conditions. This variant is not present in population databases (gnomAD no frequency). This sequence change replaces tryptophan, which is neutral and slightly polar, with cysteine, which is neutral and slightly polar, at codon 606 of the RANBP2 protein (p.Trp606Cys). In summary, the available evidence is currently insufficient to determine the role of this variant in disease. Therefore, it has been classified as a Variant of Uncertain Significance.